The following is an entry in ClinVar:

NM_182961.4(SYNE1):c.20666C>G (p.Thr6889Ser)

Gene: SYNE1 (spectrin repeat containing nuclear envelope protein 1; minus strand). Cytogenetic location: 6q25.2.
Variant type: single nucleotide variant.
Coding change: c.20666C>G on transcript NM_182961.4 (MANE Select); coding-DNA position 20666, C replaced by G.
Protein change: p.Thr6889Ser; replaces threonine 6889 with serine.
Molecular consequence: missense variant.
Genome position (GRCh38, 1-based): chr6:152,233,827, G>C on the plus strand (C>G on the coding strand, the complement: SYNE1 is on the minus strand). VCF-style: chr6-152233827-G-C. GRCh37 (hg19) VCF-style: chr6-152554962-G-C.
Other names: c.20453C>G, p.Thr6818Ser (NM_033071.5); short protein forms T6818S, T6889S.
Identifiers: ClinVar variation 1416148 (VCV001416148.6), dbSNP rs2083351978, ClinGen allele CA366117763.
Genomic context (GRCh38, chr6:152,233,827, plus strand): 5'-AATCCTTTCTGTACCTGGTGGAGCTTCTCCTGGACGGCTGGGATATTGGTTAGCAGGTCA[G>C]TCCACTGGCTATCAATGCGCGACAGCTCAGAGCGCAGCGTGGCTGTGTCCACCTTTTTTA-3'
Protein context (NP_892006.3, residues 6879-6899): SELSRIDSQW[Thr6889Ser]DLLTNIPAVQ

ClinVar aggregate classification (germline): Uncertain significance (1 of 4 stars; one submission).

Conditions:
Emery-Dreifuss muscular dystrophy 4, autosomal dominant (EDMD4). Also called: EMERY-DREIFUSS MUSCULAR DYSTROPHY 4 WITH VARIABLE FEATURES. Identifiers: Orphanet 261, MedGen C2751807, MONDO:0013071, OMIM 612998.
Autosomal recessive ataxia, Beauce type. Also called: Spinocerebellar ataxia, autosomal recessive 8; ATAXIA, RECESSIVE, OF BEAUCE; SYNE1 Deficiency; SYNE1-Related Autosomal Recessive Cerebellar Ataxia. Identifiers: Orphanet 88644, MedGen C1853116, MONDO:0012549, OMIM 610743.

Allele frequency attached by ClinVar (database versions not stated): TOPMed below 0.00001.

Submission:

Labcorp Genetics (formerly Invitae), Labcorp
Classification: Uncertain significance for Emery-Dreifuss muscular dystrophy 4, autosomal dominant; Autosomal recessive ataxia, Beauce type. Last evaluated: 2022-06-27. Review status: criteria provided, single submitter. Criteria: Invitae Variant Classification Sherloc (09022015). Collection method: clinical testing. Allele origin: germline.
Comment: In summary, the available evidence is currently insufficient to determine the role of this variant in disease. Therefore, it has been classified as a Variant of Uncertain Significance. Algorithms developed to predict the effect of missense changes on protein structure and function (SIFT, PolyPhen-2, Align-GVGD) all suggest that this variant is likely to be tolerated. This variant has not been reported in the literature in individuals affected with SYNE1-related conditions. This variant is not present in population databases (gnomAD no frequency). This sequence change replaces threonine, which is neutral and polar, with serine, which is neutral and polar, at codon 6818 of the SYNE1 protein (p.Thr6818Ser).